The following is an entry in ClinVar:

ClinVar aggregate classification (germline): Uncertain significance (1 of 4 stars; one submission).

Conditions:
Gorlin syndrome. Also called: Nevoid Basal Cell Carcinoma Syndrome; Basal cell nevus syndrome. Identifiers: Orphanet 377, MedGen C0004779, MONDO:0007187.

Submission:

St. Jude Molecular Pathology, St. Jude Children's Research Hospital
Classification: Uncertain significance for Basal cell nevus syndrome 1. Last evaluated: 2023-10-18. Review status: criteria provided, single submitter. Criteria: St. Jude Assertion Criteria 2020. Collection method: clinical testing. Allele origin: germline.
Comment: The PTCH1 c.2587T>C (p.Trp863Arg) missense change is absent in gnomAD v2.1.1. The in silico tool REVEL predicts a deleterious effect on protein function, but to our knowledge this prediction has not been confirmed by functional studies. To our knowledge, this variant has not been reported in individuals with nevoid basal cell carcinoma syndrome. In summary, the evidence currently available is insufficient to determine the clinical significance of this variant. It has therefore been classified as of uncertain significance.

NM_000264.5(PTCH1):c.2587T>C (p.Trp863Arg)

Gene: PTCH1 (patched 1; minus strand). Cytogenetic location: 9q22.32.
Variant type: single nucleotide variant.
Coding change: c.2587T>C on transcript NM_000264.5 (MANE Select); coding-DNA position 2587, T replaced by C.
Protein change: p.Trp863Arg; replaces tryptophan 863 with arginine.
Molecular consequence: missense variant. On other transcripts: non-coding transcript variant (1).
Genome position (GRCh38, 1-based): chr9:95,461,972, A>G on the plus strand (T>C on the coding strand, the complement: PTCH1 is on the minus strand). VCF-style: chr9-95461972-A-G. GRCh37 (hg19) VCF-style: chr9-98224254-A-G.
Other names: c.2389T>C, p.Trp797Arg (NM_001083602.3); c.2584T>C, p.Trp862Arg (NM_001083603.3); c.2134T>C, p.Trp712Arg (NM_001083604.3, NM_001083605.3, NM_001083606.3 and 1 more transcripts); c.2431T>C, p.Trp811Arg (NM_001354918.2); short protein forms W712R, W797R, W811R, W862R, W863R.
Identifiers: ClinVar variation 2663990 (VCV002663990.1), dbSNP rs1839516799, ClinGen allele CA374113534.